The following is an entry in ClinVar:

NM_001042492.3(NF1):c.4636C>G (p.Leu1546Val)

Gene: NF1 (neurofibromin 1; plus strand). Cytogenetic location: 17q11.2.
Variant type: single nucleotide variant.
Coding change: c.4636C>G on transcript NM_001042492.3 (MANE Select); coding-DNA position 4636, C replaced by G.
Protein change: p.Leu1546Val; replaces leucine 1546 with valine.
Molecular consequence: missense variant.
Genome position (GRCh38, 1-based): chr17:31,261,769, C>G. VCF-style: chr17-31261769-C-G. GRCh37 (hg19) VCF-style: chr17-29588787-C-G.
Other names: c.4573C>G, p.Leu1525Val (NM_000267.4); short protein forms L1546V, L1525V.
Identifiers: ClinVar variation 4703132 (VCV004703132.2).

ClinVar aggregate classification (germline): Uncertain significance. Review status: criteria provided, multiple submitters, no conflicts (2 of 4 stars). 2 submissions from 2 submitters: Uncertain significance (2). Last evaluated 2026-06-08.

Conditions:
Neurofibromatosis, type 1 (NF1). Also called: VON RECKLINGHAUSEN DISEASE; Peripheral type neurofibromatosis; Neurofibromatosis, type I; NEUROFIBROMATOSIS, TYPE I, SOMATIC. Identifiers: Orphanet 636, MedGen C0027831, MONDO:0018975, OMIM 162200. Disease mechanism: loss of function.
Cardiovascular phenotype. Identifiers: MedGen CN230736.
Hereditary cancer-predisposing syndrome. Also called: Neoplastic Syndromes, Hereditary; Tumor predisposition; Hereditary Cancer Syndrome; Hereditary neoplastic syndrome. Identifiers: Orphanet 140162, MedGen C0027672, MeSH D009386, MONDO:0015356.

Submissions (2):

Ambry Genetics
Classification: Uncertain significance for Cardiovascular phenotype; Hereditary cancer-predisposing syndrome. Last evaluated: 2026-06-08. Review status: criteria provided, single submitter. Criteria: Ambry Variant Classification Scheme 2023. Collection method: clinical testing. Allele origin: germline.
Comment: The p.L1525V variant (also known as c.4573C>G), located in coding exon 34 of the NF1 gene, results from a C to G substitution at nucleotide position 4573. The leucine at codon 1525 is replaced by valine, an amino acid with highly similar properties. This amino acid position is conserved. In addition, the in silico prediction for this alteration is inconclusive. Based on the available evidence, the clinical significance of this variant remains unclear.

Labcorp Genetics (formerly Invitae), Labcorp
Classification: Uncertain significance for Neurofibromatosis, type 1. Last evaluated: 2025-02-23. Review status: criteria provided, single submitter. Criteria: Invitae Variant Classification Sherloc (09022015). Collection method: clinical testing. Allele origin: germline.
Comment: This sequence change replaces leucine, which is neutral and non-polar, with valine, which is neutral and non-polar, at codon 1525 of the NF1 protein (p.Leu1525Val). This variant is not present in population databases (gnomAD no frequency). This variant has not been reported in the literature in individuals affected with NF1-related conditions. Invitae Evidence Modeling of protein sequence and biophysical properties (such as structural, functional, and spatial information, amino acid conservation, physicochemical variation, residue mobility, and thermodynamic stability) indicates that this missense variant is expected to disrupt NF1 protein function with a positive predictive value of 95%. In summary, the available evidence is currently insufficient to determine the role of this variant in disease. Therefore, it has been classified as a Variant of Uncertain Significance.